The following is an entry in ClinVar:

ClinVar aggregate classification (germline): Uncertain significance. Review status: criteria provided, multiple submitters, no conflicts (2 of 4 stars). 2 submissions from 2 submitters: Uncertain significance (2). Last evaluated 2025-12-02.

Conditions:
Hereditary cancer-predisposing syndrome. Also called: Hereditary Cancer Syndrome; Hereditary neoplastic syndrome; Neoplastic Syndromes, Hereditary; Tumor predisposition. Identifiers: Orphanet 140162, MedGen C0027672, MeSH D009386, MONDO:0015356.
Gorlin syndrome. Also called: Nevoid Basal Cell Carcinoma Syndrome; Basal cell nevus syndrome. Identifiers: Orphanet 377, MedGen C0004779, MONDO:0007187.

Submissions (2):

Ambry Genetics
Classification: Uncertain significance for Hereditary cancer-predisposing syndrome. Last evaluated: 2025-12-02. Review status: criteria provided, single submitter. Criteria: Ambry Variant Classification Scheme 2023. Collection method: clinical testing. Allele origin: germline.
Comment: The p.T314N variant (also known as c.941C>A), located in coding exon 6 of the PTCH1 gene, results from a C to A substitution at nucleotide position 941. The threonine at codon 314 is replaced by asparagine, an amino acid with similar properties. This amino acid position is conserved. In addition, the in silico prediction for this alteration is inconclusive. Based on the available evidence, the clinical significance of this variant remains unclear.

Labcorp Genetics (formerly Invitae), Labcorp
Classification: Uncertain significance for Gorlin syndrome. Last evaluated: 2024-04-29. Review status: criteria provided, single submitter. Criteria: Invitae Variant Classification Sherloc (09022015). Collection method: clinical testing. Allele origin: germline.
Comment: This sequence change replaces threonine, which is neutral and polar, with asparagine, which is neutral and polar, at codon 314 of the PTCH1 protein (p.Thr314Asn). This variant is not present in population databases (gnomAD no frequency). This variant has not been reported in the literature in individuals affected with PTCH1-related conditions. Advanced modeling of protein sequence and biophysical properties (such as structural, functional, and spatial information, amino acid conservation, physicochemical variation, residue mobility, and thermodynamic stability) performed at Invitae indicates that this missense variant is not expected to disrupt PTCH1 protein function with a negative predictive value of 95%. In summary, the available evidence is currently insufficient to determine the role of this variant in disease. Therefore, it has been classified as a Variant of Uncertain Significance.

NM_000264.5(PTCH1):c.941C>A (p.Thr314Asn)

Gene: PTCH1 (patched 1; minus strand). Cytogenetic location: 9q22.32.
Variant type: single nucleotide variant.
Coding change: c.941C>A on transcript NM_000264.5 (MANE Select); coding-DNA position 941, C replaced by A.
Protein change: p.Thr314Asn; replaces threonine 314 with asparagine.
Molecular consequence: missense variant. On other transcripts: non-coding transcript variant (1).
Genome position (GRCh38, 1-based): chr9:95,480,394, G>T on the plus strand (C>A on the coding strand, the complement: PTCH1 is on the minus strand). VCF-style: chr9-95480394-G-T. GRCh37 (hg19) VCF-style: chr9-98242676-G-T.
Other names: c.743C>A, p.Thr248Asn (NM_001083602.3); c.938C>A, p.Thr313Asn (NM_001083603.3); c.488C>A, p.Thr163Asn (NM_001083604.3, NM_001083605.3, NM_001083606.3 and 1 more transcripts); c.941C>A, p.Thr314Asn (NM_001354918.2); short protein forms T313N, T314N, T248N, T163N.
Identifiers: ClinVar variation 3001239 (VCV003001239.4), dbSNP rs2118411477, ClinGen allele CA374113618.